The following is an entry in ClinVar:

NM_198076.6(COX20):c.42+9G>A

Genes: COX20 (cytochrome c oxidase assembly factor COX20; plus strand), LOC129932912 (ATAC-STARR-seq lymphoblastoid silent region 2019; plus strand). Cytogenetic location: 1q44.
Variant type: single nucleotide variant.
Coding change: c.42+9G>A on transcript NM_198076.6 (MANE Select); 9 bases into the intron after coding-DNA position 42, G replaced by A.
Molecular consequence: intron variant.
Genome position (GRCh38, 1-based): chr1:244,835,765, G>A. VCF-style: chr1-244835765-G-A. GRCh37 (hg19) VCF-style: chr1-244999067-G-A.
Other names: c.42+9G>A (NM_001312871.1, NM_001312872.1, NM_001312874.1); c.22+29G>A (NM_001312873.1).
Identifiers: ClinVar variation 137020 (VCV000137020.14), dbSNP rs192100928, ClinGen allele CA290498.

ClinVar aggregate classification (germline): Benign. Review status: criteria provided, multiple submitters, no conflicts (2 of 4 stars). 4 submissions from 4 submitters: Benign (3). 1 of the submissions does not count toward it. Last evaluated 2026-02-04.

Allele frequency attached by ClinVar (database versions not stated): ESP Exome Variant Server 0.01671; 1000 Genomes Project 0.01737; 1000 Genomes Project 30x 0.01874; gnomAD exomes 0.02050 and 0.02754; TOPMed 0.02161; gnomAD 0.02188 and 0.02237; ExAC 0.06538.
gnomAD v4.1: 26,054 of 1,255,116 alleles (2.1%); highest among the groups gnomAD compares: Middle Eastern, 3%; 307 homozygotes.

Submissions (4):

Labcorp Genetics (formerly Invitae), Labcorp
Classification: Benign. Last evaluated: 2026-02-04. Review status: criteria provided, single submitter. Criteria: Invitae Variant Classification Sherloc (09022015). Collection method: clinical testing. Allele origin: germline.

GeneDx
Classification: Benign. Last evaluated: 2013-10-28. Review status: criteria provided, single submitter. Criteria: GeneDx Variant Classification (06012015). Collection method: clinical testing. Allele origin: germline. Affected: yes.
Comment: This variant is considered likely benign or benign based on one or more of the following criteria: it is a conservative change, it occurs at a poorly conserved position in the protein, it is predicted to be benign by multiple in silico algorithms, and/or has population frequency not consistent with disease.

Breakthrough Genomics
Classification: Benign. Review status: criteria provided, single submitter. Criteria: ACMG Guidelines, 2015. Collection method: not provided. Allele origin: germline. Inheritance: Autosomal recessive inheritance. Affected: yes.

Mayo Clinic Laboratories, Mayo Clinic
Classification: Likely benign. Last evaluated: 2016-02-22. Review status: no assertion criteria provided. Collection method: clinical testing. Allele origin: unknown. Not counted in ClinVar's aggregate classification.